The following is an entry in ClinVar:

NM_015450.3(POT1):c.1322A>G (p.Asn441Ser)

Gene: POT1 (protection of telomeres 1; minus strand). Cytogenetic location: 7q31.33.
Variant type: single nucleotide variant.
Coding change: c.1322A>G on transcript NM_015450.3 (MANE Select); coding-DNA position 1322, A replaced by G.
Protein change: p.Asn441Ser; replaces asparagine 441 with serine.
Molecular consequence: missense variant. On other transcripts: non-coding transcript variant (3).
Genome position (GRCh38, 1-based): chr7:124,841,020, T>C on the plus strand (A>G on the coding strand, the complement: POT1 is on the minus strand). VCF-style: chr7-124841020-T-C. GRCh37 (hg19) VCF-style: chr7-124481074-T-C.
Other names: c.929A>G, p.Asn310Ser (NM_001042594.2); short protein forms N441S, N310S.
Identifiers: ClinVar variation 571778 (VCV000571778.14), dbSNP rs1477300313, ClinGen allele CA369066860.
Genomic context (GRCh38, chr7:124,841,020, plus strand): 5'-TTAAATATCTTACCTTCTATCAAAAGTAGACATTCATTTGAAAGCGGGAGAATACCATTA[T>C]TTTTCACAAAATGAACTGCTACTTTTCGTCCTTTTTGATTTTTAGTGGTCCAGATTTTTG-3'
Protein context (NP_056265.2, residues 431-451): GRKVAVHFVK[Asn441Ser]NGILPLSNEC

ClinVar aggregate classification (germline): Uncertain significance. Review status: criteria provided, multiple submitters, no conflicts (2 of 4 stars). 2 submissions from 2 submitters: Uncertain significance (2). Last evaluated 2026-01-26.

Conditions:
Tumor predisposition syndrome 3 (TPDS3). Also called: Melanoma, cutaneous malignant, susceptibility to, 10; LONG TELOMERE SYNDROME, POT1-RELATED; POT1 Tumor Predisposition; Glioma susceptibility 9. Identifiers: Orphanet 618, MedGen C4014476, MONDO:0014368, OMIM 615848.
Hereditary cancer-predisposing syndrome. Also called: Tumor predisposition; Neoplastic Syndromes, Hereditary; Hereditary neoplastic syndrome; Hereditary Cancer Syndrome. Identifiers: Orphanet 140162, MedGen C0027672, MeSH D009386, MONDO:0015356.

Allele frequency attached by ClinVar (database versions not stated): gnomAD 0.00001; TOPMed 0.00001.
gnomAD v4.1: 5 of 1,611,914 alleles (0.00031%); highest among the groups gnomAD compares: African/African-American, 0.0053%; no homozygotes.

Submissions (2):

Labcorp Genetics (formerly Invitae), Labcorp
Classification: Uncertain significance for Tumor predisposition syndrome 3. Last evaluated: 2026-01-26. Review status: criteria provided, single submitter. Criteria: Invitae Variant Classification Sherloc (09022015). Collection method: clinical testing. Allele origin: germline.
Comment: This sequence change replaces asparagine, which is neutral and polar, with serine, which is neutral and polar, at codon 441 of the POT1 protein (p.Asn441Ser). This variant is present in population databases (no rsID available, gnomAD 0.01%). This variant has not been reported in the literature in individuals affected with POT1-related conditions. ClinVar contains an entry for this variant (Variation ID: 571778). Invitae Evidence Modeling of protein sequence and biophysical properties (such as structural, functional, and spatial information, amino acid conservation, physicochemical variation, residue mobility, and thermodynamic stability) indicates that this missense variant is not expected to disrupt POT1 protein function with a negative predictive value of 80%. In summary, the available evidence is currently insufficient to determine the role of this variant in disease. Therefore, it has been classified as a Variant of Uncertain Significance.

Ambry Genetics
Classification: Uncertain significance for Hereditary cancer-predisposing syndrome. Last evaluated: 2024-08-26. Review status: criteria provided, single submitter. Criteria: Ambry Variant Classification Scheme 2023. Collection method: clinical testing. Allele origin: germline.
Comment: The p.N441S variant (also known as c.1322A>G), located in coding exon 10 of the POT1 gene, results from an A to G substitution at nucleotide position 1322. The asparagine at codon 441 is replaced by serine, an amino acid with highly similar properties. This amino acid position is not well conserved in available vertebrate species. In addition, this alteration is predicted to be tolerated by in silico analysis. Since supporting evidence is limited at this time, the clinical significance of this alteration remains unclear.